The following is an entry in ClinVar:

NM_014336.5(AIPL1):c.*1568G>A

Gene: AIPL1 (AIP like 1 HSP90 co-chaperone; minus strand). Cytogenetic location: 17p13.2.
Variant type: single nucleotide variant.
Coding change: c.*1568G>A on transcript NM_014336.5 (MANE Select); 1568 bases downstream of the stop codon, G replaced by A.
Molecular consequence: 3 prime UTR variant.
Genome position (GRCh38, 1-based): chr17:6,423,892, C>T on the plus strand (G>A on the coding strand, the complement: AIPL1 is on the minus strand). VCF-style: chr17-6423892-C-T. GRCh37 (hg19) VCF-style: chr17-6327212-C-T.
Other names: c.*1568G>A (NM_001033054.3, NM_001033055.3, NM_001285399.3 and 3 more transcripts).
Identifiers: ClinVar variation 324569 (VCV000324569.7), dbSNP rs11869066, ClinGen allele CA10646464.

ClinVar aggregate classification (germline): Likely benign. Review status: criteria provided, multiple submitters, no conflicts (2 of 4 stars). 2 submissions from 2 submitters: Likely benign (2). Last evaluated 2018-01-13.

Conditions:
Leber congenital amaurosis 4 (LCA4). Identifiers: MedGen C1858386, MONDO:0011458, OMIM 604393.

Allele frequency attached by ClinVar (database versions not stated): gnomAD exomes 0.03125; 1000 Genomes Project 0.04712; 1000 Genomes Project 30x 0.05059; TOPMed 0.05902.
gnomAD v4.1: 8,918 of 152,350 alleles (5.9%); highest among the groups gnomAD compares: African/African-American, 8.2%; 313 homozygotes.

Submissions (2):

Illumina Laboratory Services, Illumina
Classification: Likely benign for Leber congenital amaurosis 4. Last evaluated: 2018-01-13. Review status: criteria provided, single submitter. Criteria: ICSL Variant Classification Criteria 13 December 2019. Collection method: clinical testing. Allele origin: germline.
Comment: This variant was observed in the ICSL laboratory as part of a predisposition screen in an ostensibly healthy population. It had not been previously curated by ICSL or reported in the Human Gene Mutation Database (HGMD: prior to June 1st, 2018), and was therefore a candidate for classification through an automated scoring system. Utilizing variant allele frequency, disease prevalence and penetrance estimates, and inheritance mode, an automated score was calculated to assess if this variant is too frequent to cause the disease. Based on the score and internal cut-off values, a variant classified as likely benign is not then subjected to further curation. The score for this variant resulted in a classification of likely benign for this disease.

Breakthrough Genomics
Classification: Likely benign. Review status: criteria provided, single submitter. Criteria: ACMG Guidelines, 2015. Collection method: not provided. Allele origin: germline. Inheritance: Autosomal recessive inheritance. Affected: yes.